The following is an entry in ClinVar:

ClinVar aggregate classification (germline): Likely pathogenic (1 of 4 stars; one submission).

Submission:

Labcorp Genetics (formerly Invitae), Labcorp
Classification: Likely pathogenic. Last evaluated: 2021-06-17. Review status: criteria provided, single submitter. Criteria: Invitae Variant Classification Sherloc (09022015). Collection method: clinical testing. Allele origin: germline.
Comment: In summary, the currently available evidence indicates that the variant is pathogenic, but additional data are needed to prove that conclusively. Therefore, this variant has been classified as Likely Pathogenic. This variant disrupts the p.Ile714 amino acid residue in PDE6C. Other variant(s) that disrupt this residue have been determined to be pathogenic (PMID: 30080950, Invitae). This suggests that this residue is clinically significant, and that variants that disrupt this residue are likely to be disease-causing. This variant has not been reported in the literature in individuals with PDE6C-related conditions. This variant is a gross deletion of the genomic region encompassing exons 16-22 of the PDE6C gene. The 5' boundary is likely confined to intron 16. The 3' end of this event is unknown as it extends through the termination codon beyond the assayed region for this gene and may encompass additional genes. While this deletion is not anticipated to result in nonsense mediated decay, it is expected to create a truncated protein product or disrupt mRNA translation.

Literature cited by the submitters: PubMed 30080950.

NC_000010.11:g.(?_93655760)_(93700106_?)del

Genes: FRA10AC1 (FRA10A associated CGG repeat 1; minus strand), PDE6C (phosphodiesterase 6C; plus strand). Cytogenetic location: 10q23.33.
Variant type: Deletion.
Identifiers: ClinVar variation 830758 (VCV000830758.7).